The following is an entry in ClinVar:

ClinVar aggregate classification (germline): Uncertain significance (1 of 4 stars; one submission).

Submission:

Women's Health and Genetics/Laboratory Corporation of America, LabCorp
Classification: Uncertain significance. Last evaluated: 2021-03-25. Review status: criteria provided, single submitter. Criteria: LabCorp Variant Classification Summary - May 2015. Collection method: clinical testing. Allele origin: germline.
Comment: Variant summary: COL3A1 c.2237C>G (p.Pro746Arg) results in a non-conservative amino acid change in the encoded protein sequence. Four of five in-silico tools predict a benign effect of the variant on protein function. The variant was absent in 220634 control chromosomes (gnomAD). The available data on variant occurrences in the general population are insufficient to allow any conclusion about variant significance. To our knowledge, no occurrence of c.2237C>G in individuals affected with Ehlers-Danlos Syndrome, Vascular Type and no experimental evidence demonstrating its impact on protein function have been reported. No clinical diagnostic laboratories have submitted clinical-significance assessments for this variant to ClinVar after 2014. Based on the evidence outlined above, the variant was classified as uncertain significance.

NM_000090.4(COL3A1):c.2237C>G (p.Pro746Arg)

Gene: COL3A1 (collagen type III alpha 1 chain; plus strand). Cytogenetic location: 2q32.2.
Variant type: single nucleotide variant.
Coding change: c.2237C>G on transcript NM_000090.4 (MANE Select); coding-DNA position 2237, C replaced by G.
Protein change: p.Pro746Arg; replaces proline 746 with arginine.
Molecular consequence: missense variant.
Genome position (GRCh38, 1-based): chr2:188,999,849, C>G. VCF-style: chr2-188999849-C-G. GRCh37 (hg19) VCF-style: chr2-189864575-C-G.
Other names: short protein forms P746R.
Identifiers: ClinVar variation 1050848 (VCV001050848.1), dbSNP rs2153503064, ClinGen allele CA349841122.
Genomic context (GRCh38, chr2:188,999,849, plus strand): 5'-TGATTTTCACTGAAGATACTTTGAATCTGATGACATTGGCTTTTATTTGACAGGGTGAAC[C>G]AGGCGGTCCAGGTGCTGATGGTGTCCCAGGGAAAGATGGCCCAAGGGTGAGTATTCCCAG-3'
Protein context (NP_000081.2, residues 736-756): SPGPKGDKGE[Pro746Arg]GGPGADGVPG